The following is an entry in ClinVar:

ClinVar aggregate classification (germline): Uncertain significance (1 of 4 stars; one submission).

Submission:

GeneDx
Classification: Uncertain significance. Last evaluated: 2022-04-26. Review status: criteria provided, single submitter. Criteria: GeneDx Variant Classification Process June 2021. Collection method: clinical testing. Allele origin: germline. Affected: yes.
Comment: Has not been previously published as pathogenic or benign to our knowledge; Not observed at significant frequency in large population cohorts (gnomAD); In silico analysis supports that this missense variant has a deleterious effect on protein structure/function; This variant is associated with the following publications: (PMID: 27535533)

NM_001374828.1(ARID1B):c.4851C>A (p.Asn1617Lys)

Gene: ARID1B (AT-rich interaction domain 1B; plus strand). Cytogenetic location: 6q25.3.
Variant type: single nucleotide variant.
Coding change: c.4851C>A on transcript NM_001374828.1 (MANE Select); coding-DNA position 4851, C replaced by A.
Protein change: p.Asn1617Lys; replaces asparagine 1617 with lysine.
Molecular consequence: missense variant.
Genome position (GRCh38, 1-based): chr6:157,201,076, C>A. VCF-style: chr6-157201076-C-A. GRCh37 (hg19) VCF-style: chr6-157522210-C-A.
Other names: c.4482C>A (NM_020732.3); c.2352C>A, p.Asn784Lys (NM_001363725.2); c.4731C>A, p.Asn1577Lys (NM_001371656.1, NM_001374820.1); c.4692C>A, p.Asn1564Lys (NM_017519.3); short protein forms N1564K, N1577K, N1617K, N784K.
Identifiers: ClinVar variation 1683799 (VCV001683799.2), dbSNP rs2128374397, ClinGen allele CA366241847.